The following is an entry in ClinVar:

ClinVar aggregate classification (germline): Uncertain significance (1 of 4 stars; one submission).

Conditions:
Early-infantile DEE. Also called: Early infantile epileptic encephalopathy; Early infantile epileptic encephalopathy with suppression bursts; Ohtahara syndrome. Identifiers: Orphanet 1934, MedGen C0393706, MONDO:0800491.

Submission:

Labcorp Genetics (formerly Invitae), Labcorp
Classification: Uncertain significance for Early-infantile DEE. Last evaluated: 2021-05-10. Review status: criteria provided, single submitter. Criteria: Invitae Variant Classification Sherloc (09022015). Collection method: clinical testing. Allele origin: germline.
Comment: This sequence change creates a premature translational stop signal (p.Glu262Serfs*26) in the SLC25A22 gene. While this is not anticipated to result in nonsense mediated decay, it is expected to disrupt the last 62 amino acid(s) of the SLC25A22 protein. In summary, the available evidence is currently insufficient to determine the role of this variant in disease. Therefore, it has been classified as a Variant of Uncertain Significance. This variant has not been reported in the literature in individuals with SLC25A22-related conditions. This variant is not present in population databases (ExAC no frequency).

NM_001191061.2(SLC25A22):c.779_783dup (p.Glu262fs)

Gene: SLC25A22 (solute carrier family 25 member 22; minus strand). Cytogenetic location: 11p15.5.
Variant type: Duplication.
Coding change: c.779_783dup on transcript NM_001191061.2 (MANE Select); coding-DNA positions 779 to 783, 5 bases duplicated (TCAAC; older notation c.779_783dupTCAAC).
Protein change: p.Glu262fs; shifts the reading frame from glutamic acid 262.
Molecular consequence: frameshift variant.
Genome position (GRCh38, 1-based): chr11:792,177-792,181, GTTGA duplicated on the plus strand (TCAAC on the coding strand, the reverse complement: SLC25A22 is on the minus strand). VCF-style (leftmost placement, unchanged base first): chr11-792176-C-CGTTGA. GRCh37 (hg19) VCF-style: chr11-792176-C-CGTTGA.
Other names: c.779_783dup, p.Glu262fs (NM_001191060.2, NM_024698.6); short protein forms E262fs.
Identifiers: ClinVar variation 1352782 (VCV001352782.9), dbSNP rs2133698597, ClinGen allele CA2573147242.